The following is an entry in ClinVar:

ClinVar aggregate classification (germline): Uncertain significance (1 of 4 stars; one submission).

Conditions:
Intellectual developmental disorder, X-linked 1. Also called: Atkin Flaitz Patil Smith syndrome; MENTAL RETARDATION, X-LINKED 18; MENTAL RETARDATION, X-LINKED 78; Intellectual disability, X-linked 1. Identifiers: Orphanet 777, MedGen C2931498, MONDO:0010656, OMIM 309530.

Submission:

Labcorp Genetics (formerly Invitae), Labcorp
Classification: Uncertain significance for Intellectual developmental disorder, X-linked 1. Last evaluated: 2022-06-04. Review status: criteria provided, single submitter. Criteria: Invitae Variant Classification Sherloc (09022015). Collection method: clinical testing. Allele origin: germline.
Comment: This sequence change replaces proline, which is neutral and non-polar, with leucine, which is neutral and non-polar, at codon 1222 of the IQSEC2 protein (p.Pro1222Leu). This variant is not present in population databases (gnomAD no frequency). This variant has not been reported in the literature in individuals affected with IQSEC2-related conditions. ClinVar contains an entry for this variant (Variation ID: 952071). Advanced modeling of protein sequence and biophysical properties (such as structural, functional, and spatial information, amino acid conservation, physicochemical variation, residue mobility, and thermodynamic stability) performed at Invitae indicates that this missense variant is not expected to disrupt IQSEC2 protein function. In summary, the available evidence is currently insufficient to determine the role of this variant in disease. Therefore, it has been classified as a Variant of Uncertain Significance.

NM_001111125.3(IQSEC2):c.3665C>T (p.Pro1222Leu)

Gene: IQSEC2 (IQ motif and Sec7 domain ArfGEF 2; minus strand). Cytogenetic location: Xp11.22.
Variant type: single nucleotide variant.
Coding change: c.3665C>T on transcript NM_001111125.3 (MANE Select); coding-DNA position 3665, C replaced by T.
Protein change: p.Pro1222Leu; replaces proline 1222 with leucine.
Molecular consequence: missense variant. On other transcripts: 3 prime UTR variant (1).
Genome position (GRCh38, 1-based): chrX:53,235,021, G>A on the plus strand (C>T on the coding strand, the complement: IQSEC2 is on the minus strand). VCF-style: chrX-53235021-G-A. GRCh37 (hg19) VCF-style: chrX-53264203-G-A.
Other names: c.*150C>T (NM_015075.2); short protein forms P1222L.
Identifiers: ClinVar variation 952071 (VCV000952071.10), dbSNP rs2074105508, ClinGen allele CA413141616.